The following is an entry in ClinVar:

ClinVar aggregate classification (germline): Likely benign (1 of 4 stars; one submission).

gnomAD v4.1: 21 of 1,613,756 alleles (0.0013%); highest among the groups gnomAD compares: African/African-American, 0.0027%; no homozygotes.

Submission:

CeGaT Center for Human Genetics Tuebingen
Classification: Likely benign. Last evaluated: 2026-09-01. Review status: criteria provided, single submitter. Criteria: CeGaT Center For Human Genetics Tuebingen Variant Classification Criteria Version 2. Collection method: clinical testing. Allele origin: germline. Affected: yes. Observed: 1 variant allele.
Comment: BLK: BP4

NM_001715.3(BLK):c.224G>A (p.Arg75Gln)

Gene: BLK (BLK proto-oncogene, Src family tyrosine kinase). Cytogenetic location: 8p23.1.
Variant type: single nucleotide variant.
Coding change: c.224G>A on transcript NM_001715.3 (MANE Select); coding-DNA position 224, G replaced by A.
Protein change: p.Arg75Gln; replaces arginine 75 with glutamine.
Molecular consequence: missense variant.
Genome position (GRCh38, 1-based): chr8:11,548,080, G>A. VCF-style: chr8-11548080-G-A. GRCh37 (hg19) VCF-style: chr8-11405589-G-A.
Other names: c.11G>A, p.Arg4Gln (NM_001330465.2); short protein forms R4Q, R75Q.
Identifiers: ClinVar variation 5041094 (VCV005041094.1).
Genomic context (GRCh38, chr8:11,548,080, plus strand): 5'-TGTTCATTTTAGACAAGCATTTCGTGGTGGCTCTGTATGACTACACCGCTATGAATGATC[G>A]GGACCTGCAGATGCTGAAGGGGGAGAAGCTACAGGTCCTGAAGGGGTGAGGTTCCAGGAC-3'
Protein context (NP_001706.2, residues 65-85): ALYDYTAMND[Arg75Gln]DLQMLKGEKL